The following is an entry in ClinVar:

ClinVar aggregate classification (germline): Uncertain significance (1 of 4 stars; one submission).

Submission:

GeneDx
Classification: Uncertain significance. Last evaluated: 2026-02-23. Review status: criteria provided, single submitter. Criteria: GeneDx Variant Classification Process June 2021. Collection method: clinical testing. Allele origin: germline.
Comment: Not observed at significant frequency in large population cohorts (gnomAD); In silico analysis supports that this missense variant has a deleterious effect on protein structure/function; Has not been previously published as pathogenic or benign to our knowledge

NM_001205293.3(CACNA1E):c.3664T>C (p.Trp1222Arg)

Gene: CACNA1E (calcium voltage-gated channel subunit alpha1 E; plus strand). Cytogenetic location: 1q25.3.
Variant type: single nucleotide variant.
Coding change: c.3664T>C on transcript NM_001205293.3 (MANE Select); coding-DNA position 3664, T replaced by C.
Protein change: p.Trp1222Arg; replaces tryptophan 1222 with arginine.
Molecular consequence: missense variant.
Genome position (GRCh38, 1-based): chr1:181,739,198, T>C. VCF-style: chr1-181739198-T-C. GRCh37 (hg19) VCF-style: chr1-181708334-T-C.
Other names: c.3664T>C, p.Trp1222Arg (NM_000721.4); c.3607T>C, p.Trp1203Arg (NM_001205294.2); short protein forms W1222R, W1203R.
Identifiers: ClinVar variation 5009691 (VCV005009691.1).